The following is an entry in ClinVar:

ClinVar aggregate classification (germline): Uncertain significance. Review status: criteria provided, multiple submitters, no conflicts (2 of 4 stars). 2 submissions from 2 submitters: Uncertain significance (2). Last evaluated 2026-04-28.

Conditions:
Familial thoracic aortic aneurysm and aortic dissection (TAAD). Also called: Thoracic aortic aneurysms and dissections. Identifiers: Orphanet 91387, MedGen C4707243, MONDO:0019625.
Hereditary cancer-predisposing syndrome. Also called: Hereditary Cancer Syndrome; Neoplastic Syndromes, Hereditary; Tumor predisposition; Hereditary neoplastic syndrome. Identifiers: Orphanet 140162, MedGen C0027672, MeSH D009386, MONDO:0015356.
Juvenile polyposis syndrome (JPS). Identifiers: Orphanet 2929, MedGen C0345893, MONDO:0017380, OMIM 174900.

gnomAD v4.1: 1 of 1,613,258 alleles (0.000062%); highest among the groups gnomAD compares: South Asian, 0.0011%; no homozygotes.

Submissions (2):

Ambry Genetics
Classification: Uncertain significance for Hereditary cancer-predisposing syndrome; Familial thoracic aortic aneurysm and aortic dissection. Last evaluated: 2026-04-28. Review status: criteria provided, single submitter. Criteria: Ambry Variant Classification Scheme 2023. Collection method: clinical testing. Allele origin: germline.
Comment: The p.A309T variant (also known as c.925G>A), located in coding exon 7 of the SMAD4 gene, results from a G to A substitution at nucleotide position 925. The alanine at codon 309 is replaced by threonine, an amino acid with similar properties. This amino acid position is conserved. In addition, the in silico prediction for this alteration is inconclusive. Based on the available evidence, the clinical significance of this variant remains unclear.

Labcorp Genetics (formerly Invitae), Labcorp
Classification: Uncertain significance for Juvenile polyposis syndrome. Last evaluated: 2022-09-01. Review status: criteria provided, single submitter. Criteria: Invitae Variant Classification Sherloc (09022015). Collection method: clinical testing. Allele origin: germline.
Comment: In summary, the available evidence is currently insufficient to determine the role of this variant in disease. Therefore, it has been classified as a Variant of Uncertain Significance. Advanced modeling of protein sequence and biophysical properties (such as structural, functional, and spatial information, amino acid conservation, physicochemical variation, residue mobility, and thermodynamic stability) performed at Invitae indicates that this missense variant is not expected to disrupt SMAD4 protein function. ClinVar contains an entry for this variant (Variation ID: 958384). This variant has not been reported in the literature in individuals affected with SMAD4-related conditions. This variant is not present in population databases (gnomAD no frequency). This sequence change replaces alanine, which is neutral and non-polar, with threonine, which is neutral and polar, at codon 309 of the SMAD4 protein (p.Ala309Thr).

NM_005359.6(SMAD4):c.925G>A (p.Ala309Thr)

Gene: SMAD4 (SMAD family member 4; plus strand). Cytogenetic location: 18q21.2.
Variant type: single nucleotide variant.
Coding change: c.925G>A on transcript NM_005359.6 (MANE Select); coding-DNA position 925, G replaced by A.
Protein change: p.Ala309Thr; replaces alanine 309 with threonine.
Molecular consequence: missense variant.
Genome position (GRCh38, 1-based): chr18:51,059,886, G>A. VCF-style: chr18-51059886-G-A. GRCh37 (hg19) VCF-style: chr18-48586256-G-A.
Other names: short protein forms A309T.
Identifiers: ClinVar variation 958384 (VCV000958384.10), dbSNP rs774463256, ClinGen allele CA402463679.